The following is an entry in ClinVar:

ClinVar aggregate classification (germline): Uncertain significance (1 of 4 stars; one submission).

Conditions:
Fanconi anemia (FA). Also called: Fanconi's anemia. Identifiers: Orphanet 84, MedGen C0015625, MeSH D005199, MONDO:0019391.

Allele frequency attached by ClinVar (database versions not stated): TOPMed below 0.00001; gnomAD 0.00001.
gnomAD v4.1: 1 of 1,611,612 alleles (0.000062%); highest among the groups gnomAD compares: Non-Finnish European, 0.000085%; no homozygotes.

Submission:

Labcorp Genetics (formerly Invitae), Labcorp
Classification: Uncertain significance for Fanconi anemia. Last evaluated: 2023-07-12. Review status: criteria provided, single submitter. Criteria: Invitae Variant Classification Sherloc (09022015). Collection method: clinical testing. Allele origin: germline.
Comment: In summary, the available evidence is currently insufficient to determine the role of this variant in disease. Therefore, it has been classified as a Variant of Uncertain Significance. Advanced modeling of protein sequence and biophysical properties (such as structural, functional, and spatial information, amino acid conservation, physicochemical variation, residue mobility, and thermodynamic stability) performed at Invitae indicates that this missense variant is not expected to disrupt FANCL protein function. This variant has not been reported in the literature in individuals affected with FANCL-related conditions. This variant is not present in population databases (gnomAD no frequency). This sequence change replaces isoleucine, which is neutral and non-polar, with leucine, which is neutral and non-polar, at codon 319 of the FANCL protein (p.Ile319Leu).

NM_018062.4(FANCL):c.955A>C (p.Ile319Leu)

Gene: FANCL (FA complementation group L; minus strand). Cytogenetic location: 2p16.1.
Variant type: single nucleotide variant.
Coding change: c.955A>C on transcript NM_018062.4 (MANE Select); coding-DNA position 955, A replaced by C.
Protein change: p.Ile319Leu; replaces isoleucine 319 with leucine.
Molecular consequence: missense variant.
Genome position (GRCh38, 1-based): chr2:58,161,587, T>G on the plus strand (A>C on the coding strand, the complement: FANCL is on the minus strand). VCF-style: chr2-58161587-T-G. GRCh37 (hg19) VCF-style: chr2-58388722-T-G.
Other names: c.970A>C, p.Ile324Leu (NM_001114636.2); c.1000A>C, p.Ile334Leu (NM_001374615.1); c.1015A>C, p.Ile339Leu (NM_001410792.1); short protein forms I334L, I324L, I319L, I339L.
Identifiers: ClinVar variation 2804881 (VCV002804881.2), dbSNP rs762238736, ClinGen allele CA346933004.